The following is an entry in ClinVar:

NM_001370259.2(MEN1):c.744C>G (p.Asp248Glu)

Gene: MEN1 (menin 1; minus strand). Cytogenetic location: 11q13.1.
Variant type: single nucleotide variant.
Coding change: c.744C>G on transcript NM_001370259.2 (MANE Select); coding-DNA position 744, C replaced by G.
Protein change: p.Asp248Glu; replaces aspartic acid 248 with glutamic acid.
Molecular consequence: missense variant. On other transcripts: non-coding transcript variant (4).
Genome position (GRCh38, 1-based): chr11:64,807,591, G>C on the plus strand (C>G on the coding strand, the complement: MEN1 is on the minus strand). VCF-style: chr11-64807591-G-C. GRCh37 (hg19) VCF-style: chr11-64575063-G-C.
Other names: c.759C>G, p.Asp253Glu (NM_000244.4, NM_001407145.1, NM_001407150.1 and 5 more transcripts); c.744C>G, p.Asp248Glu (NM_001370251.2, NM_001370260.2, NM_001370261.2 and 7 more transcripts); c.639C>G, p.Asp213Glu (NM_001370262.2, NM_001370263.2, NM_001407148.1 and 2 more transcripts); short protein forms D253E, D213E, D248E.
Identifiers: ClinVar variation 2562001 (VCV002562001.2), dbSNP rs2136140889, ClinGen allele CA381184323.

ClinVar aggregate classification (germline): Uncertain significance (1 of 4 stars; one submission).

Conditions:
Hereditary cancer-predisposing syndrome. Also called: Neoplastic Syndromes, Hereditary; Hereditary Cancer Syndrome; Hereditary neoplastic syndrome; Tumor predisposition. Identifiers: Orphanet 140162, MedGen C0027672, MeSH D009386, MONDO:0015356.

Submission:

Ambry Genetics
Classification: Uncertain significance for Hereditary cancer-predisposing syndrome. Last evaluated: 2023-05-08. Review status: criteria provided, single submitter. Criteria: Ambry Variant Classification Scheme 2023. Collection method: clinical testing. Allele origin: germline.
Comment: The p.D248E variant (also known as c.744C>G), located in coding exon 3 of the MEN1 gene, results from a C to G substitution at nucleotide position 744. The aspartic acid at codon 248 is replaced by glutamic acid, an amino acid with highly similar properties. This amino acid position is conserved. In addition, the in silico prediction for this alteration is inconclusive. Since supporting evidence is limited at this time, the clinical significance of this alteration remains unclear.